The following is an entry in ClinVar:

ClinVar aggregate classification (germline): Uncertain significance. Review status: criteria provided, multiple submitters, no conflicts (2 of 4 stars). 2 submissions from 2 submitters: Uncertain significance (2). Last evaluated 2022-05-11.

Conditions:
Inborn genetic diseases. Identifiers: MedGen C0950123, MeSH D030342.

Allele frequency attached by ClinVar (database versions not stated): gnomAD exomes below 0.00001 and 0.00001.
gnomAD v4.1: 11 of 1,560,692 alleles (0.0007%); highest among the groups gnomAD compares: Admixed American, 0.0019%; no homozygotes.

Submissions (2):

Ambry Genetics
Classification: Uncertain significance for Inborn genetic diseases. Last evaluated: 2022-05-11. Review status: criteria provided, single submitter. Criteria: Ambry Variant Classification Scheme 2023. Collection method: clinical testing. Allele origin: germline.

Labcorp Genetics (formerly Invitae), Labcorp
Classification: Uncertain significance. Last evaluated: 2022-01-27. Review status: criteria provided, single submitter. Criteria: Invitae Variant Classification Sherloc (09022015). Collection method: clinical testing. Allele origin: germline.
Comment: This sequence change replaces proline, which is neutral and non-polar, with serine, which is neutral and polar, at codon 238 of the DGAT1 protein (p.Pro238Ser). This variant is present in population databases (no rsID available, gnomAD no frequency). This variant has not been reported in the literature in individuals affected with DGAT1-related conditions. Algorithms developed to predict the effect of missense changes on protein structure and function output the following: SIFT: "Tolerated"; PolyPhen-2: "Benign"; Align-GVGD: "Class C0". The serine amino acid residue is found in multiple mammalian species, which suggests that this missense change does not adversely affect protein function. In summary, the available evidence is currently insufficient to determine the role of this variant in disease. Therefore, it has been classified as a Variant of Uncertain Significance.

NM_012079.6(DGAT1):c.712C>T (p.Pro238Ser)

Gene: DGAT1 (diacylglycerol O-acyltransferase 1; minus strand). Cytogenetic location: 8q24.3.
Variant type: single nucleotide variant.
Coding change: c.712C>T on transcript NM_012079.6 (MANE Select); coding-DNA position 712, C replaced by T.
Protein change: p.Pro238Ser; replaces proline 238 with serine.
Molecular consequence: missense variant.
Genome position (GRCh38, 1-based): chr8:144,318,134, G>A on the plus strand (C>T on the coding strand, the complement: DGAT1 is on the minus strand). VCF-style: chr8-144318134-G-A. GRCh37 (hg19) VCF-style: chr8-145541797-G-A.
Other names: c.712C>T (NM_012079.4); short protein forms P238S.
Identifiers: ClinVar variation 1357460 (VCV001357460.6), dbSNP rs1554847514, ClinGen allele CA372612012.